The following is an entry in ClinVar:

ClinVar aggregate classification (germline): Pathogenic. Review status: criteria provided, multiple submitters, no conflicts (2 of 4 stars). 4 submissions from 4 submitters: Pathogenic (4). Last evaluated 2025-06-24.

Conditions:
Hereditary breast ovarian cancer syndrome. Also called: Hereditary breast and ovarian cancer syndrome; Hereditary breast and ovarian cancer; Hereditary breast and ovarian cancer syndrome (HBOC); Breast and ovarian cancer; Hereditary breast and/or ovarian cancer syndrome; BRCA1- and BRCA2-Associated Hereditary Breast and Ovarian Cancer. Identifiers: Orphanet 145, MedGen C0677776, MeSH D061325, MONDO:0003582. Disease mechanism: loss of function.
Hereditary cancer-predisposing syndrome. Also called: Neoplastic Syndromes, Hereditary; Tumor predisposition; Hereditary neoplastic syndrome; Hereditary Cancer Syndrome. Identifiers: Orphanet 140162, MedGen C0027672, MeSH D009386, MONDO:0015356.

Submissions (4):

Color Diagnostics, LLC DBA Color Health
Classification: Pathogenic for Hereditary cancer-predisposing syndrome. Last evaluated: 2025-06-24. Review status: criteria provided, single submitter. Criteria: ACMG Guidelines, 2015. Collection method: clinical testing. Allele origin: germline.
Comment: This variant deletes 5 nucleotides in exon 11/27 of the BRCA2 gene, creating a frameshift and premature translation stop signal. This variant is expected to result in an absent or non-functional protein product. This variant has been reported in an individual affected with ovarian cancer (PMID: 28888541). This variant has not been identified in the general population by the Genome Aggregation Database (gnomAD). Loss of BRCA2 function is a known mechanism of disease. Based on the available evidence, this variant is classified as Pathogenic.

GeneDx
Classification: Pathogenic. Last evaluated: 2024-10-18. Review status: criteria provided, single submitter. Criteria: GeneDx Variant Classification Process June 2021. Collection method: clinical testing. Allele origin: germline. Affected: yes.
Comment: Observed in individual(s) with a personal or family history consistent with pathogenic variants in this gene (PMID: 28888541); Nonsense variant predicted to result in protein truncation or nonsense mediated decay in a gene for which loss of function is a known mechanism of disease; Not observed at significant frequency in large population cohorts (gnomAD); Truncating variants in this gene are considered pathogenic by a well-established clinical consortium and/or database; Also known as 5045_5049del; This variant is associated with the following publications: (PMID: 28888541)

Labcorp Genetics (formerly Invitae), Labcorp
Classification: Pathogenic for Hereditary breast ovarian cancer syndrome. Last evaluated: 2024-03-30. Review status: criteria provided, single submitter. Criteria: Invitae Variant Classification Sherloc (09022015). Collection method: clinical testing. Allele origin: germline.
Comment: This sequence change creates a premature translational stop signal (p.Ser1606*) in the BRCA2 gene. It is expected to result in an absent or disrupted protein product. Loss-of-function variants in BRCA2 are known to be pathogenic (PMID: 20104584). This variant is not present in population databases (gnomAD no frequency). This premature translational stop signal has been observed in individual(s) with ovarian cancer (PMID: 28888541). ClinVar contains an entry for this variant (Variation ID: 825203). For these reasons, this variant has been classified as Pathogenic.

Ambry Genetics
Classification: Pathogenic for Hereditary cancer-predisposing syndrome. Last evaluated: 2019-07-24. Review status: criteria provided, single submitter. Criteria: Ambry Variant Classification Scheme 2023. Collection method: clinical testing. Allele origin: germline.
Comment: The c.4817_4821delCTATT pathogenic mutation, located in coding exon 10 of the BRCA2 gene, results from a deletion of 5 nucleotides at nucleotide positions 4817 to 4821, causing a translational frameshift with a predicted alternate stop codon (p.S1606*). This alteration is expected to result in loss of function by premature protein truncation or nonsense-mediated mRNA decay. As such, this alteration is interpreted as a disease-causing mutation.

Literature cited by the submitters: PubMed 28888541 (cited by Color Diagnostics, LLC DBA Color Health and Labcorp Genetics (formerly Invitae), Labcorp); PubMed 20104584 (cited by Labcorp Genetics (formerly Invitae), Labcorp).

NM_000059.4(BRCA2):c.4817_4821del (p.Val1605_Ser1606insTer)

Gene: BRCA2 (BRCA2 DNA repair associated; plus strand). Cytogenetic location: 13q13.1.
Variant type: Deletion.
Coding change: c.4817_4821del on transcript NM_000059.4 (MANE Select); coding-DNA positions 4817 to 4821, 5 bases deleted (CTATT; older notation c.4817_4821delCTATT).
Protein change: p.Val1605_Ser1606insTer.
Molecular consequence: nonsense.
Genome position (GRCh38, 1-based): chr13:32,339,172-32,339,176, CTATT deleted; deleting any 5 consecutive bases within chr13:32,339,170-32,339,176 gives the same sequence; the c. name uses the placement nearest the transcript's 3' end. VCF-style (leftmost placement, unchanged base first): chr13-32339169-TTTCTA-T. GRCh37 (hg19) VCF-style: chr13-32913306-TTTCTA-T.
Other names: c.4817_4821delCTATT (NM_000059.3); c.4817_4821del (NM_000059.3).
Identifiers: ClinVar variation 825203 (VCV000825203.11), dbSNP rs1593903507, ClinGen allele CA915948473.